The following is an entry in ClinVar:

NM_002715.4(PPP2CA):c.43G>A (p.Glu15Lys)

Genes: MIR3661 (microRNA 3661; plus strand), PPP2CA (protein phosphatase 2 catalytic subunit alpha; minus strand). Cytogenetic location: 5q31.1.
Variant type: single nucleotide variant.
Coding change: c.43G>A on transcript NM_002715.4 (MANE Select); coding-DNA position 43, G replaced by A.
Protein change: p.Glu15Lys; replaces glutamic acid 15 with lysine.
Molecular consequence: missense variant. On other transcripts: non-coding transcript variant (1).
Genome position (GRCh38, 1-based): chr5:134,225,819, C>T on the plus strand (G>A on the coding strand, the complement: PPP2CA is on the minus strand). VCF-style: chr5-134225819-C-T. GRCh37 (hg19) VCF-style: chr5-133561510-C-T.
Other names: short protein forms E15K.
Identifiers: ClinVar variation 3217743 (VCV003217743.3), dbSNP rs2081664656, ClinGen allele CA360996094.

ClinVar aggregate classification (germline): Uncertain significance. Review status: criteria provided, multiple submitters, no conflicts (2 of 4 stars). 2 submissions from 2 submitters: Uncertain significance (2). Last evaluated 2024-10-01.

Conditions:
Inborn genetic diseases. Identifiers: MedGen C0950123, MeSH D030342.

Submissions (2):

Dasa
Classification: Uncertain significance. Last evaluated: 2024-10-01. Review status: criteria provided, single submitter. Criteria: DASA Assertion Criteria. Collection method: clinical testing. Allele origin: germline.
Comment: NM_002715.4(PPP2CA):c.43G>A (p.Glu15Lys) is a missense variant that results in the substitution of glutamic acid with lysine. This variant is absent from population databases. Computational prediction algorithms are consistent with a benign effect. The currently available literature and clinical evidence are not sufficient to establish a definitive association between this variant and the reported condition. Therefore, this variant is classified as a variant of uncertain significance.

Ambry Genetics
Classification: Uncertain significance for Inborn genetic diseases. Last evaluated: 2024-01-08. Review status: criteria provided, single submitter. Criteria: Ambry Variant Classification Scheme 2023. Collection method: clinical testing. Allele origin: germline.